The following is an entry in ClinVar:

ClinVar aggregate classification (germline): Uncertain significance (1 of 4 stars; one submission).

Conditions:
Cardiovascular phenotype. Identifiers: MedGen CN230736.

Submission:

Ambry Genetics
Classification: Uncertain significance for Cardiovascular phenotype. Last evaluated: 2022-12-13. Review status: criteria provided, single submitter. Criteria: Ambry Variant Classification Scheme 2023. Collection method: clinical testing. Allele origin: germline.
Comment: The p.A221G variant (also known as c.662C>G), located in coding exon 1 of the ALPK3 gene, results from a C to G substitution at nucleotide position 662. The alanine at codon 221 is replaced by glycine, an amino acid with similar properties. This amino acid position is conserved. In addition, this alteration is predicted to be tolerated by in silico analysis. Since supporting evidence is limited at this time, the clinical significance of this alteration remains unclear.

NM_020778.5(ALPK3):c.56C>G (p.Ala19Gly)

Gene: ALPK3 (alpha kinase 3; plus strand). Cytogenetic location: 15q25.3.
Variant type: single nucleotide variant.
Coding change: c.56C>G on transcript NM_020778.5 (MANE Select); coding-DNA position 56, C replaced by G.
Protein change: p.Ala19Gly; replaces alanine 19 with glycine.
Molecular consequence: missense variant.
Genome position (GRCh38, 1-based): chr15:84,817,508, C>G. VCF-style: chr15-84817508-C-G. GRCh37 (hg19) VCF-style: chr15-85360739-C-G.
Other names: short protein forms A19G.
Identifiers: ClinVar variation 2497226 (VCV002497226.2), dbSNP rs1401696738, ClinGen allele CA393369370.